The following is an entry in ClinVar:

NM_002661.5(PLCG2):c.2739+4G>T

Gene: PLCG2 (phospholipase C gamma 2; plus strand). Cytogenetic location: 16q23.3.
Variant type: single nucleotide variant.
Coding change: c.2739+4G>T on transcript NM_002661.5 (MANE Select); 4 bases into the intron after coding-DNA position 2739, G replaced by T.
Molecular consequence: intron variant.
Genome position (GRCh38, 1-based): chr16:81,931,658, G>T. VCF-style: chr16-81931658-G-T. GRCh37 (hg19) VCF-style: chr16-81965263-G-T.
Identifiers: ClinVar variation 1450271 (VCV001450271.6), dbSNP rs754078401, ClinGen allele CA8194403.
Genomic context (GRCh38, chr16:81,931,658, plus strand): 5'-GAGCTCTTTGAGTGGTTTCAGAGCATCCGAGAGATCACCTGGAAGATTGACACCAAGGTA[G>T]GCACCTGCTCACCCGGGTGCAGGTGGGCCTGGCATTCTGAGGGCTTTGGTGCTCAGTTGG-3'

ClinVar aggregate classification (germline): Uncertain significance (1 of 4 stars; one submission).

Conditions:
Familial cold autoinflammatory syndrome 3 (FCAS3). Also called: ANTIBODY DEFICIENCY AND IMMUNE DYSREGULATION, PLCG2-ASSOCIATED; FAMILIAL ATYPICAL COLD URTICARIA. Identifiers: Orphanet 300359, MedGen C3280914, MONDO:0013766, OMIM 614468.

Allele frequency attached by ClinVar (database versions not stated): ExAC 0.00001; gnomAD exomes 0.00001.
gnomAD v4.1: 41 of 1,612,934 alleles (0.0025%); highest among the groups gnomAD compares: Middle Eastern, 0.016%; no homozygotes.

Submission:

Labcorp Genetics (formerly Invitae), Labcorp
Classification: Uncertain significance for Familial cold autoinflammatory syndrome 3. Last evaluated: 2024-12-05. Review status: criteria provided, single submitter. Criteria: Invitae Variant Classification Sherloc (09022015). Collection method: clinical testing. Allele origin: germline.
Comment: This sequence change falls in intron 25 of the PLCG2 gene. It does not directly change the encoded amino acid sequence of the PLCG2 protein. It affects a nucleotide within the consensus splice site. This variant is present in population databases (rs754078401, gnomAD 0.003%). This variant has not been reported in the literature in individuals affected with PLCG2-related conditions. ClinVar contains an entry for this variant (Variation ID: 1450271). Variants that disrupt the consensus splice site are a relatively common cause of aberrant splicing (PMID: 17576681, 9536098). Algorithms developed to predict the effect of sequence changes on RNA splicing suggest that this variant is not likely to affect RNA splicing. In summary, the available evidence is currently insufficient to determine the role of this variant in disease. Therefore, it has been classified as a Variant of Uncertain Significance.

Literature cited by the submitters: PubMed 17576681; PubMed 9536098.